The following is an entry in ClinVar:

NM_000540.3(RYR1):c.7608G>A (p.Leu2536=)

Gene: RYR1 (ryanodine receptor 1; plus strand). Cytogenetic location: 19q13.2.
Variant type: single nucleotide variant.
Coding change: c.7608G>A on transcript NM_000540.3 (MANE Select); coding-DNA position 7608, G replaced by A.
Protein change: p.Leu2536=; no amino-acid change (leucine 2536 retained).
Molecular consequence: synonymous variant.
Genome position (GRCh38, 1-based): chr19:38,500,984, G>A. VCF-style: chr19-38500984-G-A. GRCh37 (hg19) VCF-style: chr19-38991624-G-A.
Other names: c.7608G>A, p.Leu2536= (NM_001042723.2).
Identifiers: ClinVar variation 290019 (VCV000290019.16), dbSNP rs201686887, ClinGen allele CA069806.

ClinVar aggregate classification (germline): Conflicting classifications of pathogenicity. Review status: criteria provided, conflicting classifications (1 of 4 stars). 4 submissions from 4 submitters: Uncertain significance (1); Likely benign (3). Last evaluated 2025-11-08.

Conditions:
RYR1-related disorder. Also called: RYR1-related condition; RYR1-related disorders. Identifiers: MedGen CN239331.
Malignant hyperthermia, susceptibility to, 1 (MHS1). Also called: Anesthesia related hyperthermia; Malignant hyperpyrexia; Fulminating hyperpyrexia; Pharmacogenic myopathy; RYR1-Related Malignant Hyperthermia Susceptibility; Malignant hyperthermia suceptibility 1. Identifiers: Orphanet 423, MedGen C2930980, MONDO:0007783, OMIM 145600.

Allele frequency attached by ClinVar (database versions not stated): gnomAD 0.00002 and 0.00001; gnomAD exomes 0.00009 and 0.00014; TOPMed 0.00001; ExAC 0.00015.
gnomAD v4.1: 131 of 1,613,182 alleles (0.0081%); highest among the groups gnomAD compares: South Asian, 0.12%; no homozygotes.

Submissions (4):

Labcorp Genetics (formerly Invitae), Labcorp
Classification: Likely benign for RYR1-related disorder. Last evaluated: 2025-11-08. Review status: criteria provided, single submitter. Criteria: Invitae Variant Classification Sherloc (09022015). Collection method: clinical testing. Allele origin: germline.

All of Us Research Program, National Institutes of Health
Classification: Likely benign for Malignant hyperthermia, susceptibility to, 1. Last evaluated: 2023-11-30. Review status: criteria provided, single submitter. Criteria: ACMG Guidelines, 2015. Collection method: clinical testing. Allele origin: germline. Inheritance: Autosomal dominant inheritance. Observed: 2 variant alleles, 2 heterozygotes.
Comment: This study involves interpretation of variants in research participants for the purpose of population health screening. Participant phenotype was not available at the time of variant classification. Additional details can be found in publication PMID: 35346344, PMCID: PMC8962531

Color Diagnostics, LLC DBA Color Health
Classification: Likely benign for Malignant hyperthermia, susceptibility to, 1. Last evaluated: 2022-11-06. Review status: criteria provided, single submitter. Criteria: ACMG Guidelines, 2015. Collection method: clinical testing. Allele origin: germline.

Eurofins Ntd Llc (ga)
Classification: Uncertain significance. Last evaluated: 2016-08-04. Review status: criteria provided, single submitter. Criteria: EGL Classification Definitions 2015. Collection method: clinical testing. Allele origin: germline. Observed: 1 variant allele, 1 heterozygote.